The following is an entry in ClinVar:

NM_020806.5(GPHN):c.1691T>C (p.Leu564Pro)

Gene: GPHN (gephyrin; plus strand). Cytogenetic location: 14q23.3.
Variant type: single nucleotide variant.
Coding change: c.1691T>C on transcript NM_020806.5 (MANE Select); coding-DNA position 1691, T replaced by C.
Protein change: p.Leu564Pro; replaces leucine 564 with proline.
Molecular consequence: missense variant.
Genome position (GRCh38, 1-based): chr14:67,122,320, T>C. VCF-style: chr14-67122320-T-C. GRCh37 (hg19) VCF-style: chr14-67589037-T-C.
Other names: c.1592T>C, p.Leu531Pro (NM_001024218.2); c.1751T>C, p.Leu584Pro (NM_001377514.1); c.1721T>C, p.Leu574Pro (NM_001377515.1); c.1712T>C, p.Leu571Pro (NM_001377516.1); c.1664T>C, p.Leu555Pro (NM_001377517.1); c.1649T>C, p.Leu550Pro (NM_001377518.1); c.1631T>C, p.Leu544Pro (NM_001377519.1); short protein forms L564P, L531P, L550P, L571P, L544P, L555P, L574P, L584P.
Identifiers: ClinVar variation 2015107 (VCV002015107.4), dbSNP rs2543525166, ClinGen allele CA390259221.
Genomic context (GRCh38, chr14:67,122,320, plus strand): 5'-TAAATCCTGAAGATGACCTCTTACCAGGGAAGATTCGAGACAGCAATCGTTCAACTCTTC[T>C]AGCAACAATTCAGGAACATGGTTACCCCACGATCAACTTGGGTATTGTAGGAGACAAGTA-3'
Protein context (NP_065857.1, residues 554-574): KIRDSNRSTL[Leu564Pro]ATIQEHGYPT

ClinVar aggregate classification (germline): Uncertain significance (1 of 4 stars; one submission).

Conditions:
Sulfite oxidase deficiency due to molybdenum cofactor deficiency type C. Also called: Molybdenum cofactor deficiency, complementation group C; Molybdenum cofactor deficiency C. Identifiers: Orphanet 308400, Orphanet 833, MedGen C1854990, MONDO:0014212, OMIM 615501.

Submission:

Labcorp Genetics (formerly Invitae), Labcorp
Classification: Uncertain significance for Sulfite oxidase deficiency due to molybdenum cofactor deficiency type C. Last evaluated: 2025-09-15. Review status: criteria provided, single submitter. Criteria: Invitae Variant Classification Sherloc (09022015). Collection method: clinical testing. Allele origin: germline.
Comment: This sequence change replaces leucine, which is neutral and non-polar, with proline, which is neutral and non-polar, at codon 564 of the GPHN protein (p.Leu564Pro). This variant is not present in population databases (gnomAD no frequency). This variant has not been reported in the literature in individuals affected with GPHN-related conditions. ClinVar contains an entry for this variant (Variation ID: 2015107). Invitae Evidence Modeling of protein sequence and biophysical properties (such as structural, functional, and spatial information, amino acid conservation, physicochemical variation, residue mobility, and thermodynamic stability) indicates that this missense variant is expected to disrupt GPHN protein function with a positive predictive value of 80%. In summary, the available evidence is currently insufficient to determine the role of this variant in disease. Therefore, it has been classified as a Variant of Uncertain Significance.